The following is an entry in ClinVar:

NM_001367561.1(DOCK7):c.2195C>T (p.Thr732Ile)

Gene: DOCK7 (dedicator of cytokinesis 7; minus strand). Cytogenetic location: 1p31.3.
Variant type: single nucleotide variant.
Coding change: c.2195C>T on transcript NM_001367561.1 (MANE Select); coding-DNA position 2195, C replaced by T.
Protein change: p.Thr732Ile; replaces threonine 732 with isoleucine.
Molecular consequence: missense variant.
Genome position (GRCh38, 1-based): chr1:62,561,621, G>A on the plus strand (C>T on the coding strand, the complement: DOCK7 is on the minus strand). VCF-style: chr1-62561621-G-A. GRCh37 (hg19) VCF-style: chr1-63027292-G-A.
Other names: c.2195C>T, p.Thr732Ile (NM_001271999.2, NM_001272000.2, NM_001272001.2 and 2 more transcripts); short protein forms T732I.
Identifiers: ClinVar variation 1996992 (VCV001996992.4), dbSNP rs777904081, ClinGen allele CA886342.

ClinVar aggregate classification (germline): Uncertain significance (1 of 4 stars; one submission).

Conditions:
Developmental and epileptic encephalopathy, 23 (DEE23). Also called: Epileptic encephalopathy, early infantile, 23. Identifiers: Orphanet 411986, MedGen C4014492, MONDO:0014371, OMIM 615859.

Allele frequency attached by ClinVar (database versions not stated): ExAC 0.00001.
gnomAD v4.1: 1 of 1,557,542 alleles (0.000064%); highest among the groups gnomAD compares: Admixed American, 0.0022%; no homozygotes.

Submission:

Labcorp Genetics (formerly Invitae), Labcorp
Classification: Uncertain significance for Developmental and epileptic encephalopathy, 23. Last evaluated: 2022-05-31. Review status: criteria provided, single submitter. Criteria: Invitae Variant Classification Sherloc (09022015). Collection method: clinical testing. Allele origin: germline.
Comment: This variant has not been reported in the literature in individuals affected with DOCK7-related conditions. This sequence change replaces threonine, which is neutral and polar, with isoleucine, which is neutral and non-polar, at codon 732 of the DOCK7 protein (p.Thr732Ile). This variant is present in population databases (rs777904081, gnomAD 0.005%). Algorithms developed to predict the effect of missense changes on protein structure and function are either unavailable or do not agree on the potential impact of this missense change (SIFT: "Deleterious"; PolyPhen-2: "Benign"; Align-GVGD: "Class C0"). In summary, the available evidence is currently insufficient to determine the role of this variant in disease. Therefore, it has been classified as a Variant of Uncertain Significance.